The following is an entry in ClinVar:

ClinVar aggregate classification (germline): Likely benign. Review status: criteria provided, multiple submitters, no conflicts (2 of 4 stars). 3 submissions from 3 submitters: Likely benign (3). Last evaluated 2026-07-07.

Conditions:
Hereditary cancer-predisposing syndrome. Also called: Neoplastic Syndromes, Hereditary; Tumor predisposition; Hereditary Cancer Syndrome; Hereditary neoplastic syndrome. Identifiers: Orphanet 140162, MedGen C0027672, MeSH D009386, MONDO:0015356.
Rhabdoid tumor predisposition syndrome 2 (RTPS2). Identifiers: Orphanet 231108, Orphanet 69077, MedGen C2750074, MONDO:0013224, OMIM 613325.

Allele frequency attached by ClinVar (database versions not stated): ESP Exome Variant Server 0.00008; gnomAD 0.00005 and 0.00006; ExAC 0.00002; gnomAD exomes 0.00001; TOPMed 0.00007.
gnomAD v4.1: 8 of 1,609,862 alleles (0.0005%); highest among the groups gnomAD compares: African/African-American, 0.0093%; no homozygotes.

Submissions (3):

Myriad Genetics, Inc.
Classification: Likely benign for Rhabdoid tumor predisposition syndrome 2. Last evaluated: 2026-07-07. Review status: criteria provided, single submitter. Criteria: Myriad Autosomal Dominant, Autosomal Recessive and X-Linked Classification Criteria (2023). Collection method: clinical testing. Allele origin: unknown.
Comment: This variant is considered likely benign. This variant is intronic and is not expected to impact mRNA splicing.

Labcorp Genetics (formerly Invitae), Labcorp
Classification: Likely benign for Rhabdoid tumor predisposition syndrome 2. Last evaluated: 2026-01-26. Review status: criteria provided, single submitter. Criteria: Invitae Variant Classification Sherloc (09022015). Collection method: clinical testing. Allele origin: germline.

Sema4
Classification: Likely benign for Hereditary cancer-predisposing syndrome. Last evaluated: 2021-12-22. Review status: criteria provided, single submitter. Criteria: Sema4 Curation Guidelines. Collection method: curation. Allele origin: germline.

NM_003072.5(SMARCA4):c.3383-12T>C

Gene: SMARCA4 (SWI/SNF related BAF chromatin remodeling complex subunit ATPase 4; plus strand). Cytogenetic location: 19p13.2.
Variant type: single nucleotide variant.
Coding change: c.3383-12T>C on transcript NM_003072.5 (MANE Select); 12 bases into the intron before coding-DNA position 3383, T replaced by C.
Molecular consequence: intron variant.
Genome position (GRCh38, 1-based): chr19:11,030,718, T>C. VCF-style: chr19-11030718-T-C. GRCh37 (hg19) VCF-style: chr19-11141394-T-C.
Other names: c.3383-12T>C (NM_001128844.3, NM_001128849.3, NM_001128847.4 and 5 more transcripts).
Identifiers: ClinVar variation 1605857 (VCV001605857.10), dbSNP rs375221718, ClinGen allele CA9204415.